The following is an entry in ClinVar:

NM_032581.4(HYCC1):c.*1318A>G

Gene: HYCC1 (hyccin PI4KA lipid kinase complex subunit 1; minus strand). Cytogenetic location: 7p15.3.
Variant type: single nucleotide variant.
Coding change: c.*1318A>G on transcript NM_032581.4 (MANE Select); 1318 bases downstream of the stop codon, A replaced by G.
Molecular consequence: 3 prime UTR variant.
Genome position (GRCh38, 1-based): chr7:22,944,271, T>C on the plus strand (A>G on the coding strand, the complement: HYCC1 is on the minus strand). VCF-style: chr7-22944271-T-C. GRCh37 (hg19) VCF-style: chr7-22983890-T-C.
Other names: c.*1920A>G (NM_001363466.2); c.*1878A>G (NM_001363467.2).
Identifiers: ClinVar variation 359749 (VCV000359749.5), dbSNP rs1583511, ClinGen allele CA10625819.

ClinVar aggregate classification (germline): Benign (1 of 4 stars; one submission).

Conditions:
Hypomyelination and Congenital Cataract (HLD5). Also called: hypomyelinating leukodystrophy 5. Identifiers: Orphanet 85163, MedGen C1864663, MONDO:0012514, OMIM 610532.

Allele frequency attached by ClinVar (database versions not stated): 1000 Genomes Project 30x 0.66708; 1000 Genomes Project 0.67212; TOPMed 0.68973; gnomAD 0.69542 and 0.69560; gnomAD exomes 0.78125.
gnomAD v4.1: 105,732 of 152,058 alleles (70%); highest among the groups gnomAD compares: South Asian, 73%; 36,767 homozygotes.

Submission:

Illumina Laboratory Services, Illumina
Classification: Benign for Hypomyelination and Congenital Cataract. Last evaluated: 2018-01-13. Review status: criteria provided, single submitter. Criteria: ICSL Variant Classification Criteria 13 December 2019. Collection method: clinical testing. Allele origin: germline.
Comment: This variant was observed in the ICSL laboratory as part of a predisposition screen in an ostensibly healthy population. It had not been previously curated by ICSL or reported in the Human Gene Mutation Database (HGMD: prior to June 1st, 2018), and was therefore a candidate for classification through an automated scoring system. Utilizing variant allele frequency, disease prevalence and penetrance estimates, and inheritance mode, an automated score was calculated to assess if this variant is too frequent to cause the disease. Based on the score and internal cut-off values, a variant classified as benign is not then subjected to further curation. The score for this variant resulted in a classification of benign for this disease.